The following is an entry in ClinVar:

ClinVar aggregate classification (germline): Uncertain significance (1 of 4 stars; one submission).

Conditions:
Bardet-Biedl syndrome (BBS). Identifiers: Orphanet 110, MedGen C0752166, MONDO:0015229.

Submission:

Labcorp Genetics (formerly Invitae), Labcorp
Classification: Uncertain significance for Bardet-Biedl syndrome. Last evaluated: 2022-03-03. Review status: criteria provided, single submitter. Criteria: Invitae Variant Classification Sherloc (09022015). Collection method: clinical testing. Allele origin: germline.
Comment: This sequence change replaces histidine, which is basic and polar, with aspartic acid, which is acidic and polar, at codon 255 of the BBS12 protein (p.His255Asp). In summary, the available evidence is currently insufficient to determine the role of this variant in disease. Therefore, it has been classified as a Variant of Uncertain Significance. Algorithms developed to predict the effect of missense changes on protein structure and function output the following: SIFT: "Tolerated"; PolyPhen-2: "Benign"; Align-GVGD: "Class C0". The aspartic acid amino acid residue is found in multiple mammalian species, which suggests that this missense change does not adversely affect protein function. This variant has not been reported in the literature in individuals affected with BBS12-related conditions. This variant is not present in population databases (gnomAD no frequency).

NM_152618.3(BBS12):c.763C>G (p.His255Asp)

Gene: BBS12 (Bardet-Biedl syndrome 12; plus strand). Cytogenetic location: 4q27.
Variant type: single nucleotide variant.
Coding change: c.763C>G on transcript NM_152618.3 (MANE Select); coding-DNA position 763, C replaced by G.
Protein change: p.His255Asp; replaces histidine 255 with aspartic acid.
Molecular consequence: missense variant.
Genome position (GRCh38, 1-based): chr4:122,742,655, C>G. VCF-style: chr4-122742655-C-G. GRCh37 (hg19) VCF-style: chr4-123663810-C-G.
Other names: c.763C>G, p.His255Asp (NM_001178007.2); short protein forms H255D.
Identifiers: ClinVar variation 1512246 (VCV001512246.8), dbSNP rs2150736491, ClinGen allele CA358223644.